The following is an entry in ClinVar:

NM_004991.4(MECOM):c.1187G>A (p.Arg396His)

Gene: MECOM (MDS1 and EVI1 complex locus; minus strand). Cytogenetic location: 3q26.2.
Variant type: single nucleotide variant.
Coding change: c.1187G>A on transcript NM_004991.4 (MANE Select); coding-DNA position 1187, G replaced by A.
Protein change: p.Arg396His; replaces arginine 396 with histidine.
Molecular consequence: missense variant. On other transcripts: intron variant (2).
Genome position (GRCh38, 1-based): chr3:169,116,685, C>T on the plus strand (G>A on the coding strand, the complement: MECOM is on the minus strand). VCF-style: chr3-169116685-C-T. GRCh37 (hg19) VCF-style: chr3-168834473-C-T.
Other names: c.818G>A, p.Arg273His (NM_001105077.4); c.623G>A, p.Arg208His (NM_001105078.4, NM_001164000.2, NM_001205194.2 and 4 more transcripts); c.626G>A, p.Arg209His (NM_001163999.2, NM_001366467.2, NM_001366468.2 and 1 more transcripts); c.1187G>A, p.Arg396His (NM_001366466.2); c.1133-918G>A (NM_001366473.2); c.569-918G>A (NM_001366474.2); c.1187G>A (NM_004991.3); short protein forms R273H, R208H, R209H, R396H.
Identifiers: ClinVar variation 1810554 (VCV001810554.2), dbSNP rs2549416128, ClinGen allele CA355064263.

ClinVar aggregate classification (germline): Uncertain significance. Review status: criteria provided, multiple submitters, no conflicts (2 of 4 stars). 2 submissions from 2 submitters: Uncertain significance (2). Last evaluated 2025-03-22.

Conditions:
Inborn genetic diseases. Identifiers: MedGen C0950123, MeSH D030342.

Submissions (2):

Ambry Genetics
Classification: Uncertain significance for Inborn genetic diseases. Last evaluated: 2025-03-22. Review status: criteria provided, single submitter. Criteria: Ambry Variant Classification Scheme 2023. Collection method: clinical testing. Allele origin: germline.
Comment: The p.R396H variant (also known as c.1187G>A), located in coding exon 8 of the MECOM gene, results from a G to A substitution at nucleotide position 1187. The arginine at codon 396 is replaced by histidine, an amino acid with highly similar properties. This amino acid position is conserved. In addition, this alteration is predicted to be deleterious by in silico analysis. Based on the available evidence, the clinical significance of this variant remains unclear.

GeneDx
Classification: Uncertain significance. Last evaluated: 2022-07-05. Review status: criteria provided, single submitter. Criteria: GeneDx Variant Classification Process June 2021. Collection method: clinical testing. Allele origin: germline. Affected: yes.
Comment: Not observed at significant frequency in large population cohorts (gnomAD); In silico analysis supports that this missense variant has a deleterious effect on protein structure/function; Has not been previously published as pathogenic or benign to our knowledge